The following is an entry in ClinVar:

ClinVar aggregate classification (germline): Uncertain significance (1 of 4 stars; one submission).

Conditions:
Familial thoracic aortic aneurysm and aortic dissection (TAAD). Also called: Thoracic aortic aneurysms and dissections. Identifiers: Orphanet 91387, MedGen C4707243, MONDO:0019625.

Submission:

Labcorp Genetics (formerly Invitae), Labcorp
Classification: Uncertain significance for Familial thoracic aortic aneurysm and aortic dissection. Last evaluated: 2023-06-14. Review status: criteria provided, single submitter. Criteria: Invitae Variant Classification Sherloc (09022015). Collection method: clinical testing. Allele origin: germline.
Comment: This sequence change replaces histidine, which is basic and polar, with asparagine, which is neutral and polar, at codon 13 of the TGFBR2 protein (p.His13Asn). This variant is not present in population databases (gnomAD no frequency). This variant has not been reported in the literature in individuals affected with TGFBR2-related conditions. Advanced modeling of protein sequence and biophysical properties (such as structural, functional, and spatial information, amino acid conservation, physicochemical variation, residue mobility, and thermodynamic stability) performed at Invitae indicates that this missense variant is not expected to disrupt TGFBR2 protein function. In summary, the available evidence is currently insufficient to determine the role of this variant in disease. Therefore, it has been classified as a Variant of Uncertain Significance.

NM_003242.6(TGFBR2):c.37C>A (p.His13Asn)

Gene: TGFBR2 (transforming growth factor beta receptor 2; plus strand). Cytogenetic location: 3p24.1.
Variant type: single nucleotide variant.
Coding change: c.37C>A on transcript NM_003242.6 (MANE Select); coding-DNA position 37, C replaced by A.
Protein change: p.His13Asn; replaces histidine 13 with asparagine.
Molecular consequence: missense variant. On other transcripts: 5 prime UTR variant (4), intron variant (2).
Genome position (GRCh38, 1-based): chr3:30,606,920, C>A. VCF-style: chr3-30606920-C-A. GRCh37 (hg19) VCF-style: chr3-30648412-C-A.
Other names: c.37C>A, p.His13Asn (NM_001024847.3, NM_001407126.1, NM_001407127.1 and 4 more transcripts); c.-247C>A (NM_001407133.1); c.-125C>A (NM_001407134.1); c.-172C>A (NM_001407135.1); c.-257C>A (NM_001407136.1); c.-12+327C>A (NM_001407129.1, NM_001407132.1); short protein forms H13N.
Identifiers: ClinVar variation 2714446 (VCV002714446.3), dbSNP rs2125438712, ClinGen allele CA351830525.